The following is an entry in ClinVar:

ClinVar aggregate classification (germline): Conflicting classifications of pathogenicity. Review status: criteria provided, conflicting classifications (1 of 4 stars). 3 submissions from 3 submitters: Uncertain significance (1); Likely benign (2). Last evaluated 2025-12-03.

Allele frequency attached by ClinVar (database versions not stated): gnomAD exomes 0.00002 and 0.00007; ExAC 0.00010; 1000 Genomes Project 30x 0.00016; 1000 Genomes Project 0.00020; TOPMed 0.00024.
gnomAD v4.1: 76 of 1,579,676 alleles (0.0048%); highest among the groups gnomAD compares: African/African-American, 0.057%; 1 homozygote.

Submissions (3):

Labcorp Genetics (formerly Invitae), Labcorp
Classification: Likely benign. Last evaluated: 2025-12-03. Review status: criteria provided, single submitter. Criteria: Invitae Variant Classification Sherloc (09022015). Collection method: clinical testing. Allele origin: germline.

Athena Diagnostics
Classification: Likely benign. Last evaluated: 2024-08-07. Review status: criteria provided, single submitter. Criteria: Athena Diagnostics Criteria. Collection method: clinical testing. Allele origin: unknown.

ARUP Laboratories, Molecular Genetics and Genomics, ARUP Laboratories
Classification: Uncertain significance. Last evaluated: 2020-05-11. Review status: criteria provided, single submitter. Criteria: ARUP Molecular Germline Variant Investigation Process. Collection method: clinical testing. Allele origin: germline.
Comment: The NOTCH3 c.4728G>C; p.Glu1576Asp variant (rs557113034), to our knowledge, is not reported in the medical literature or gene specific databases. This variant is found in the general population with an overall allele frequency of 0.0081% (21/259700 alleles) in the Genome Aggregation Database. The glutamic acid at codon 1576 is highly conserved, but computational analyses (SIFT, PolyPhen-2) predict that this variant is tolerated. Other computational splicing analyses (Alamut v.2.11) predict that this variant may impact splicing by creating a novel cryptic donor splice site, but without functional studies the effect on splicing is unknown. Most pathogenic NOTCH3 variants occur in exons 2-24 and either create or destroy a cysteine residue within an EGF-like domain (Rutten 2014). However, there are several amino acid substitutions not involving cysteine that may be disease-associated (Muino 2017). Although the p.Glu1576Asp variant does not occur within this critical region or involve a cysteine residue, due to its low population frequency and potential effects on splicing its clinical significance is uncertain. References: Muino E et al. Systematic Review of Cysteine-Sparing NOTCH3 Missense Mutations in Patients with Clinical Suspicion of CADASIL. Int J Mol Sci. 2017 Sep 13;18(9). pii: E1964. Rutten JW et al. Interpretation of NOTCH3 mutations in the diagnosis of CADASIL. Expert Rev Mol Diagn. 2014 Jun;14(5):593-603.

Literature cited by the submitters: PubMed 36973604 (cited by Athena Diagnostics).

NM_000435.3(NOTCH3):c.4728G>C (p.Glu1576Asp)

Gene: NOTCH3 (notch receptor 3; minus strand). Cytogenetic location: 19p13.12.
Variant type: single nucleotide variant.
Coding change: c.4728G>C on transcript NM_000435.3 (MANE Select); coding-DNA position 4728, G replaced by C.
Protein change: p.Glu1576Asp; replaces glutamic acid 1576 with aspartic acid.
Molecular consequence: missense variant.
Genome position (GRCh38, 1-based): chr19:15,174,076, C>G on the plus strand (G>C on the coding strand, the complement: NOTCH3 is on the minus strand). VCF-style: chr19-15174076-C-G. GRCh37 (hg19) VCF-style: chr19-15284887-C-G.
Other names: short protein forms E1576D.
Identifiers: ClinVar variation 994358 (VCV000994358.19), dbSNP rs557113034, ClinGen allele CA9262863.